The following is an entry in ClinVar:

NM_000138.5(FBN1):c.3146G>C (p.Gly1049Ala)

Gene: FBN1 (fibrillin 1; minus strand). Cytogenetic location: 15q21.1.
Variant type: single nucleotide variant.
Coding change: c.3146G>C on transcript NM_000138.5 (MANE Select); coding-DNA position 3146, G replaced by C.
Protein change: p.Gly1049Ala; replaces glycine 1049 with alanine.
Molecular consequence: missense variant.
Genome position (GRCh38, 1-based): chr15:48,488,430, C>G on the plus strand (G>C on the coding strand, the complement: FBN1 is on the minus strand). VCF-style: chr15-48488430-C-G. GRCh37 (hg19) VCF-style: chr15-48780627-C-G.
Other names: c.3146G>C, p.Gly1049Ala (NM_001406716.1); short protein forms G1049A.
Identifiers: ClinVar variation 3754081 (VCV003754081.2).
Genomic context (GRCh38, chr15:48,488,430, plus strand): 5'-GTGCAGTTCCTTTCTTCAGAATCAAGAGCAAAGCCGCTGTCACACCTGCACTTAAAGCTG[C>G]CAATGGTGTTTCTGCACTTGCCGTGGGTGCAGAGGCTGGGTATCATCTTGCACTCATTGA-3'
Protein context (NP_000129.3, residues 1039-1059): CTHGKCRNTI[Gly1049Ala]SFKCRCDSGF

ClinVar aggregate classification (germline): Likely pathogenic (1 of 4 stars; one submission).

Conditions:
Marfan syndrome (MFS). Also called: MARFAN SYNDROME, TYPE I; Marfan syndrome type 1; Marfan's syndrome; Marfan syndrome, classic; FBN1-Related Marfan Syndrome. Identifiers: Orphanet 284963, Orphanet 558, MedGen C0024796, MONDO:0007947, OMIM 154700.
Familial thoracic aortic aneurysm and aortic dissection (TAAD). Also called: Thoracic aortic aneurysms and dissections. Identifiers: Orphanet 91387, MedGen C4707243, MONDO:0019625.

Submission:

Labcorp Genetics (formerly Invitae), Labcorp
Classification: Likely pathogenic for Marfan syndrome; Familial thoracic aortic aneurysm and aortic dissection. Last evaluated: 2025-01-15. Review status: criteria provided, single submitter. Criteria: Invitae Variant Classification Sherloc (09022015). Collection method: clinical testing. Allele origin: germline.
Comment: This sequence change replaces glycine, which is neutral and non-polar, with alanine, which is neutral and non-polar, at codon 1049 of the FBN1 protein (p.Gly1049Ala). This variant is not present in population databases (gnomAD no frequency). This variant has not been reported in the literature in individuals affected with FBN1-related conditions. Invitae Evidence Modeling of protein sequence and biophysical properties (such as structural, functional, and spatial information, amino acid conservation, physicochemical variation, residue mobility, and thermodynamic stability) indicates that this missense variant is expected to disrupt FBN1 protein function with a positive predictive value of 95%. This variant disrupts the p.Gly1049 amino acid residue in FBN1. Other variant(s) that disrupt this residue have been determined to be pathogenic (PMID: 33824467; Internal data). This suggests that this residue is clinically significant, and that variants that disrupt this residue are likely to be disease-causing. In summary, the currently available evidence indicates that the variant is pathogenic, but additional data are needed to prove that conclusively. Therefore, this variant has been classified as Likely Pathogenic.

Literature cited by the submitters: PubMed 33824467.